The following is an entry in ClinVar:

ClinVar aggregate classification (germline): Uncertain significance (1 of 4 stars; one submission).

Submission:

GeneDx
Classification: Uncertain significance. Last evaluated: 2024-09-25. Review status: criteria provided, single submitter. Criteria: GeneDx Variant Classification Process June 2021. Collection method: clinical testing. Allele origin: germline. Affected: yes.
Comment: Not observed at significant frequency in large population cohorts (gnomAD); In silico analysis supports that this missense variant has a deleterious effect on protein structure/function; Has not been previously published as pathogenic or benign to our knowledge

NM_001375524.1(TRRAP):c.3735G>T (p.Leu1245Phe)

Gene: TRRAP (transformation/transcription domain associated protein; plus strand). Cytogenetic location: 7q22.1.
Variant type: single nucleotide variant.
Coding change: c.3735G>T on transcript NM_001375524.1 (MANE Select); coding-DNA position 3735, G replaced by T.
Protein change: p.Leu1245Phe; replaces leucine 1245 with phenylalanine.
Molecular consequence: missense variant.
Genome position (GRCh38, 1-based): chr7:98,931,548, G>T. VCF-style: chr7-98931548-G-T. GRCh37 (hg19) VCF-style: chr7-98529171-G-T.
Other names: c.3735G>T, p.Leu1245Phe (NM_001244580.2, NM_003496.4); short protein forms L1245F.
Identifiers: ClinVar variation 3774829 (VCV003774829.1).
Genomic context (GRCh38, chr7:98,931,548, plus strand): 5'-GAGAGCCGAAGAGATCGTGGCCGCCCAGGAAAAGTCTTTCCACCATGTGACACACGACTT[G>T]GTTCGAGAAGTCACCTCTCCAAACTCCACTGTGAGGAAGCAGGCCATGCATTCGCTGCAG-3'
Protein context (NP_001362453.1, residues 1235-1255): EKSFHHVTHD[Leu1245Phe]VREVTSPNST